The following is an entry in ClinVar:

ClinVar aggregate classification (germline): Uncertain significance (1 of 4 stars; one submission).

Conditions:
Fanconi anemia (FA). Also called: Fanconi's anemia. Identifiers: Orphanet 84, MedGen C0015625, MeSH D005199, MONDO:0019391.

Submission:

Labcorp Genetics (formerly Invitae), Labcorp
Classification: Uncertain significance for Fanconi anemia. Last evaluated: 2024-12-18. Review status: criteria provided, single submitter. Criteria: Invitae Variant Classification Sherloc (09022015). Collection method: clinical testing. Allele origin: germline.
Comment: This sequence change replaces methionine, which is neutral and non-polar, with threonine, which is neutral and polar, at codon 197 of the FANCD2 protein (p.Met197Thr). This variant is not present in population databases (gnomAD no frequency). This variant has not been reported in the literature in individuals affected with FANCD2-related conditions. Invitae Evidence Modeling of protein sequence and biophysical properties (such as structural, functional, and spatial information, amino acid conservation, physicochemical variation, residue mobility, and thermodynamic stability) indicates that this missense variant is expected to disrupt FANCD2 protein function with a positive predictive value of 80%. In summary, the available evidence is currently insufficient to determine the role of this variant in disease. Therefore, it has been classified as a Variant of Uncertain Significance.

NM_001018115.3(FANCD2):c.590T>C (p.Met197Thr)

Genes: FANCD2 (FA complementation group D2; plus strand), LOC107303338 (3p25 FANCD2 Alu-mediated recombination region; plus strand). Cytogenetic location: 3p25.3.
Variant type: single nucleotide variant.
Coding change: c.590T>C on transcript NM_001018115.3 (MANE Select); coding-DNA position 590, T replaced by C.
Protein change: p.Met197Thr; replaces methionine 197 with threonine.
Molecular consequence: missense variant.
Genome position (GRCh38, 1-based): chr3:10,039,740, T>C. VCF-style: chr3-10039740-T-C. GRCh37 (hg19) VCF-style: chr3-10081424-T-C.
Other names: c.590T>C, p.Met197Thr (NM_001319984.2, NM_001374253.1, NM_001374254.1 and 2 more transcripts); short protein forms M197T.
Identifiers: ClinVar variation 3714972 (VCV003714972.2).
Genomic context (GRCh38, chr3:10,039,740, plus strand): 5'-TGGGTAATGTGCTGCAGTTCTAATAGTGTCTTCTACTGCAGGACCTCACCACCAAGATCA[T>C]GCAGCTGATCAGTATTGCTCCAGAGAACCTGCAGCATGACATCATCACCAGCCTACCTGA-3'
Protein context (NP_001018125.1, residues 187-207): VDGKDLTTKI[Met197Thr]QLISIAPENL